The following is an entry in ClinVar:

ClinVar aggregate classification (germline): Uncertain significance (1 of 4 stars; one submission).

Submission:

GeneDx
Classification: Uncertain significance. Last evaluated: 2023-03-25. Review status: criteria provided, single submitter. Criteria: GeneDx Variant Classification Process June 2021. Collection method: clinical testing. Allele origin: germline. Affected: yes.
Comment: Not observed at significant frequency in large population cohorts (gnomAD); In silico analysis supports that this missense variant has a deleterious effect on protein structure/function; Has not been previously published as pathogenic or benign to our knowledge

NM_001394062.1(MACF1):c.232C>G (p.Leu78Val)

Gene: MACF1 (microtubule actin crosslinking factor 1; plus strand). Cytogenetic location: 1p34.3.
Variant type: single nucleotide variant.
Coding change: c.232C>G on transcript NM_001394062.1 (MANE Select); coding-DNA position 232, C replaced by G.
Protein change: p.Leu78Val; replaces leucine 78 with valine.
Molecular consequence: missense variant.
Genome position (GRCh38, 1-based): chr1:39,250,074, C>G. VCF-style: chr1-39250074-C-G. GRCh37 (hg19) VCF-style: chr1-39715746-C-G.
Other names: c.343C>G, p.Leu115Val (NM_012090.5); short protein forms L115V, L78V.
Identifiers: ClinVar variation 2581980 (VCV002581980.1), dbSNP rs1645023447, ClinGen allele CA339751845.
Genomic context (GRCh38, chr1:39,250,074, plus strand): 5'-GTCCGCAAGCACATCAATGATCTTTATGAAGATCTGCGGGATGGCCATAACCTGATCTCT[C>G]TGTTGGAGGTCCTCTCAGGCATCAAACTGGTGAGCTTCTCCTAATGAATGGCCTCACAAT-3'
Protein context (NP_001380991.1, residues 68-88): DLRDGHNLIS[Leu78Val]LEVLSGIKLE